The following is an entry in ClinVar:

NM_000219.6(KCNE1):c.203C>G (p.Ser68Cys)

Gene: KCNE1 (potassium voltage-gated channel subfamily E regulatory subunit 1; minus strand). Cytogenetic location: 21q22.12.
Variant type: single nucleotide variant.
Coding change: c.203C>G on transcript NM_000219.6 (MANE Select); coding-DNA position 203, C replaced by G.
Protein change: p.Ser68Cys; replaces serine 68 with cysteine.
Molecular consequence: missense variant.
Genome position (GRCh38, 1-based): chr21:34,449,432, G>C on the plus strand (C>G on the coding strand, the complement: KCNE1 is on the minus strand). VCF-style: chr21-34449432-G-C. GRCh37 (hg19) VCF-style: chr21-35821730-G-C.
Other names: c.203C>G, p.Ser68Cys (NM_001127668.4, NM_001127669.4, NM_001127670.4 and 4 more transcripts); short protein forms S68C.
Identifiers: ClinVar variation 3374320 (VCV003374320.2).

Conditions:
Long QT syndrome 5 (LQT5). Identifiers: Orphanet 101016, Orphanet 768, MedGen C1867904, MONDO:0013372, OMIM 613695.

Submission:

Roden Lab, Vanderbilt University Medical Center
No classification provided (evidence only). Condition: Long QT syndrome 5. Review status: no classification provided. Collection method: in vitro. Allele origin: not applicable. Functional consequence: Effect on ion channel function.
ClinVar note: "not provided" was previously submitted as the classification for the variant. However, the classification appeared to be based only on an observation of functional data so it was converted to no classification on 2025-07-30.